The following is an entry in ClinVar:

ClinVar aggregate classification (germline): Pathogenic (1 of 4 stars; one submission).

Conditions:
Pulmonary fibrosis and/or bone marrow failure, Telomere-related, 3. Also called: PULMONARY FIBROSIS AND/OR BONE MARROW FAILURE SYNDROME, TELOMERE-RELATED, 3. Identifiers: Orphanet 2032, MedGen C4225346, MONDO:0014613, OMIM 616373.
Dyskeratosis congenita, autosomal recessive 5 (DKCB5). Identifiers: MedGen C3554656, MONDO:0014076, OMIM 615190.

Submission:

Labcorp Genetics (formerly Invitae), Labcorp
Classification: Pathogenic for Dyskeratosis congenita, autosomal recessive 5; Pulmonary fibrosis and/or bone marrow failure, Telomere-related, 3. Last evaluated: 2022-10-03. Review status: criteria provided, single submitter. Criteria: Invitae Variant Classification Sherloc (09022015). Collection method: clinical testing. Allele origin: germline.
Comment: For these reasons, this variant has been classified as Pathogenic. This variant has not been reported in the literature in individuals affected with RTEL1-related conditions. This variant is not present in population databases (gnomAD no frequency). This sequence change creates a premature translational stop signal (p.Tyr24*) in the RTEL1 gene. It is expected to result in an absent or disrupted protein product. Loss-of-function variants in RTEL1 are known to be pathogenic (PMID: 23453664, 23959892, 25607374).

Literature cited by the submitters: PubMed 23453664; PubMed 23959892; PubMed 25607374.

NM_001283009.2(RTEL1):c.72C>G (p.Tyr24Ter)

Genes: RTEL1 (regulator of telomere elongation helicase 1; plus strand), RTEL1-TNFRSF6B (RTEL1-TNFRSF6B readthrough (NMD candidate); plus strand). Cytogenetic location: 20q13.33.
Variant type: single nucleotide variant.
Coding change: c.72C>G on transcript NM_001283009.2 (MANE Select); coding-DNA position 72, C replaced by G.
Protein change: p.Tyr24Ter; replaces tyrosine 24 with a stop codon.
Molecular consequence: nonsense. On other transcripts: non-coding transcript variant (1), intron variant (1).
Genome position (GRCh38, 1-based): chr20:63,659,474, C>G. VCF-style: chr20-63659474-C-G. GRCh37 (hg19) VCF-style: chr20-62290827-C-G.
Other names: c.72C>G, p.Tyr24Ter (NM_016434.4, NM_032957.5); c.-568+1015C>G (NM_001283010.1); short protein forms Y24*.
Identifiers: ClinVar variation 1989845 (VCV001989845.4), dbSNP rs1424161739, ClinGen allele CA409657549.